The following is an entry in ClinVar:

ClinVar aggregate classification (germline): Uncertain significance. Review status: criteria provided, multiple submitters, no conflicts (2 of 4 stars). 2 submissions from 2 submitters: Uncertain significance (2). Last evaluated 2024-03-02.

Conditions:
Hereditary cancer-predisposing syndrome. Also called: Neoplastic Syndromes, Hereditary; Tumor predisposition; Hereditary neoplastic syndrome; Hereditary Cancer Syndrome. Identifiers: Orphanet 140162, MedGen C0027672, MeSH D009386, MONDO:0015356.
Fanconi anemia complementation group J. Also called: BRIP1-Related Fanconi Anemia. Identifiers: Orphanet 84, MedGen C1836860, MONDO:0012187, OMIM 609054.
Familial cancer of breast. Also called: BREAST CANCER, FAMILIAL; Hereditary breast cancer; hereditary breast carcinoma. Identifiers: Orphanet 227535, MedGen C0346153, MONDO:0016419, OMIM 114480. Disease mechanism: loss of function.

Allele frequency attached by ClinVar (database versions not stated): gnomAD exomes below 0.00001.
gnomAD v4.1: 3 of 1,613,928 alleles (0.00019%); highest among the groups gnomAD compares: Non-Finnish European, 0.00025%; no homozygotes.

Submissions (2):

Labcorp Genetics (formerly Invitae), Labcorp
Classification: Uncertain significance for Familial cancer of breast; Fanconi anemia complementation group J. Last evaluated: 2024-03-02. Review status: criteria provided, single submitter. Criteria: Invitae Variant Classification Sherloc (09022015). Collection method: clinical testing. Allele origin: germline.
Comment: This sequence change replaces proline, which is neutral and non-polar, with serine, which is neutral and polar, at codon 244 of the BRIP1 protein (p.Pro244Ser). This variant is not present in population databases (gnomAD no frequency). This variant has not been reported in the literature in individuals affected with BRIP1-related conditions. ClinVar contains an entry for this variant (Variation ID: 1758250). Advanced modeling of protein sequence and biophysical properties (such as structural, functional, and spatial information, amino acid conservation, physicochemical variation, residue mobility, and thermodynamic stability) performed at Invitae indicates that this missense variant is expected to disrupt BRIP1 protein function with a positive predictive value of 80%. In summary, the available evidence is currently insufficient to determine the role of this variant in disease. Therefore, it has been classified as a Variant of Uncertain Significance.

Ambry Genetics
Classification: Uncertain significance for Hereditary cancer-predisposing syndrome. Last evaluated: 2022-01-11. Review status: criteria provided, single submitter. Criteria: Ambry Variant Classification Scheme 2023. Collection method: clinical testing. Allele origin: germline.
Comment: The p.P244S variant (also known as c.730C>T), located in coding exon 6 of the BRIP1 gene, results from a C to T substitution at nucleotide position 730. The proline at codon 244 is replaced by serine, an amino acid with similar properties. This amino acid position is conserved. In addition, the in silico prediction for this alteration is inconclusive. Since supporting evidence is limited at this time, the clinical significance of this alteration remains unclear.

NM_032043.3(BRIP1):c.730C>T (p.Pro244Ser)

Gene: BRIP1 (BRCA1 interacting DNA helicase 1; minus strand). Cytogenetic location: 17q23.2.
Variant type: single nucleotide variant.
Coding change: c.730C>T on transcript NM_032043.3 (MANE Select); coding-DNA position 730, C replaced by T.
Protein change: p.Pro244Ser; replaces proline 244 with serine.
Molecular consequence: missense variant.
Genome position (GRCh38, 1-based): chr17:61,808,655, G>A on the plus strand (C>T on the coding strand, the complement: BRIP1 is on the minus strand). VCF-style: chr17-61808655-G-A. GRCh37 (hg19) VCF-style: chr17-59886016-G-A.
Other names: short protein forms P244S.
Identifiers: ClinVar variation 1758250 (VCV001758250.4), dbSNP rs2545197875, ClinGen allele CA400485032.